The following is an entry in ClinVar:

NM_000264.5(PTCH1):c.1310T>C (p.Val437Ala)

Gene: PTCH1 (patched 1; minus strand). Cytogenetic location: 9q22.32.
Variant type: single nucleotide variant.
Coding change: c.1310T>C on transcript NM_000264.5 (MANE Select); coding-DNA position 1310, T replaced by C.
Protein change: p.Val437Ala; replaces valine 437 with alanine.
Molecular consequence: missense variant. On other transcripts: non-coding transcript variant (1).
Genome position (GRCh38, 1-based): chr9:95,478,092, A>G on the plus strand (T>C on the coding strand, the complement: PTCH1 is on the minus strand). VCF-style: chr9-95478092-A-G. GRCh37 (hg19) VCF-style: chr9-98240374-A-G.
Other names: c.1112T>C, p.Val371Ala (NM_001083602.3); c.1307T>C, p.Val436Ala (NM_001083603.3); c.857T>C, p.Val286Ala (NM_001083604.3, NM_001083605.3, NM_001083606.3 and 1 more transcripts); c.1310T>C, p.Val437Ala (NM_001354918.2); short protein forms V286A, V437A, V371A, V436A.
Identifiers: ClinVar variation 3784610 (VCV003784610.1).
Genomic context (GRCh38, chr9:95,478,092, plus strand): 5'-AGGAGCATGGCATCGAGCGTTACCATGAGTAAGTAGCCGCTGGCCACGCGGATGACACTG[A>G]CGTCAGAGAAGGATTTCAGGATGTCGTCCAGGGTCGTGGTGGTGAAGGAAAGCACCTTTT-3'
Protein context (NP_000255.2, residues 427-447): LDDILKSFSD[Val437Ala]SVIRVASGYL

ClinVar aggregate classification (germline): Uncertain significance (1 of 4 stars; one submission).

Conditions:
Hereditary cancer-predisposing syndrome. Also called: Neoplastic Syndromes, Hereditary; Hereditary Cancer Syndrome; Tumor predisposition; Hereditary neoplastic syndrome. Identifiers: Orphanet 140162, MedGen C0027672, MeSH D009386, MONDO:0015356.

Submission:

Ambry Genetics
Classification: Uncertain significance for Hereditary cancer-predisposing syndrome. Last evaluated: 2024-12-17. Review status: criteria provided, single submitter. Criteria: Ambry Variant Classification Scheme 2023. Collection method: clinical testing. Allele origin: germline.
Comment: The p.V437A variant (also known as c.1310T>C), located in coding exon 9 of the PTCH1 gene, results from a T to C substitution at nucleotide position 1310. The valine at codon 437 is replaced by alanine, an amino acid with similar properties. This amino acid position is conserved. In addition, the in silico prediction for this alteration is inconclusive. Based on the available evidence, the clinical significance of this variant remains unclear.